The following is an entry in ClinVar:

ClinVar aggregate classification (germline): Uncertain significance (1 of 4 stars; one submission).

Allele frequency attached by ClinVar (database versions not stated): gnomAD 0.00001; gnomAD exomes 0.00001; TOPMed 0.00002; ExAC 0.00003; ESP Exome Variant Server 0.00008.
gnomAD v4.1: 6 of 1,613,236 alleles (0.00037%); highest among the groups gnomAD compares: African/African-American, 0.0027%; no homozygotes.

Submission:

GeneDx
Classification: Uncertain significance. Last evaluated: 2022-06-11. Review status: criteria provided, single submitter. Criteria: GeneDx Variant Classification Process June 2021. Collection method: clinical testing. Allele origin: germline. Affected: yes.
Comment: Not observed at significant frequency in large population cohorts (gnomAD); In silico analysis supports that this missense variant has a deleterious effect on protein structure/function; Has not been previously published as pathogenic or benign to our knowledge

NM_000384.3(APOB):c.7196A>G (p.Asp2399Gly)

Gene: APOB (apolipoprotein B; minus strand). Cytogenetic location: 2p24.1.
Variant type: single nucleotide variant.
Coding change: c.7196A>G on transcript NM_000384.3 (MANE Select); coding-DNA position 7196, A replaced by G.
Protein change: p.Asp2399Gly; replaces aspartic acid 2399 with glycine.
Molecular consequence: missense variant.
Genome position (GRCh38, 1-based): chr2:21,009,672, T>C on the plus strand (A>G on the coding strand, the complement: APOB is on the minus strand). VCF-style: chr2-21009672-T-C. GRCh37 (hg19) VCF-style: chr2-21232544-T-C.
Other names: short protein forms D2399G.
Identifiers: ClinVar variation 1803523 (VCV001803523.1), dbSNP rs370239884, ClinGen allele CA064167.